The following is an entry in ClinVar:

ClinVar aggregate classification (germline): Uncertain significance (1 of 4 stars; one submission).

Submission:

GeneDx
Classification: Uncertain significance. Last evaluated: 2019-10-04. Review status: criteria provided, single submitter. Criteria: GeneDx Variant Classification Process June 2021. Collection method: clinical testing. Allele origin: germline. Affected: yes.
Comment: Has not been previously published as pathogenic or benign to our knowledge; Not observed in large population cohorts (Lek et al., 2016); In silico analysis, which includes protein predictors and evolutionary conservation, supports a deleterious effect

NM_053025.4(MYLK):c.2957G>T (p.Gly986Val)

Gene: MYLK (myosin light chain kinase; minus strand). Cytogenetic location: 3q21.1.
Variant type: single nucleotide variant.
Coding change: c.2957G>T on transcript NM_053025.4 (MANE Select); coding-DNA position 2957, G replaced by T.
Protein change: p.Gly986Val; replaces glycine 986 with valine.
Molecular consequence: missense variant.
Genome position (GRCh38, 1-based): chr3:123,700,511, C>A on the plus strand (G>T on the coding strand, the complement: MYLK is on the minus strand). VCF-style: chr3-123700511-C-A. GRCh37 (hg19) VCF-style: chr3-123419358-C-A.
Other names: c.2429G>T, p.Gly810Val (NM_001321309.2); c.2750G>T, p.Gly917Val (NM_053026.4, NM_053028.4); c.2957G>T, p.Gly986Val (NM_053027.4); short protein forms G810V, G917V, G986V.
Identifiers: ClinVar variation 1317071 (VCV001317071.2), dbSNP rs2108581354, ClinGen allele CA354230559.
Genomic context (GRCh38, chr3:123,700,511, plus strand): 5'-TTGGCATTCAGGGTCTCGGCACTGCTGCTGCCATTCTCTGCTGGTAATTTCTTCTTGCCA[C>A]CCAGCACTGAGCGAAAATCCGGGGTGGCAGGTTTTGGCGGTGGCACCTTCTCAGGCACGG-3'
Protein context (NP_444253.3, residues 976-996): PATPDFRSVL[Gly986Val]GKKKLPAENG